The following is an entry in ClinVar:

NM_020975.6(RET):c.1262A>C (p.Gln421Pro)

Gene: RET (ret proto-oncogene; plus strand). Cytogenetic location: 10q11.21.
Variant type: single nucleotide variant.
Coding change: c.1262A>C on transcript NM_020975.6 (MANE Select); coding-DNA position 1262, A replaced by C.
Protein change: p.Gln421Pro; replaces glutamine 421 with proline.
Molecular consequence: missense variant. On other transcripts: intron variant (18).
Genome position (GRCh38, 1-based): chr10:43,109,229, A>C. VCF-style: chr10-43109229-A-C. GRCh37 (hg19) VCF-style: chr10-43604677-A-C.
Other names: c.626-2870A>C (NM_001406785.1, NM_001406787.1, NM_001406782.1 and 3 more transcripts); c.739-1978A>C (NM_001406774.1); c.497-2870A>C (NM_001406786.1, NM_001406783.1); c.338-2870A>C (NM_001406790.1, NM_001406788.1, NM_001406789.1 and 1 more transcripts); c.74-2870A>C (NM_001406794.1, NM_001406792.1, NM_001406793.1); c.500A>C, p.Gln167Pro (NM_001355216.2); c.1262A>C, p.Gln421Pro (NM_001406743.1, NM_001406744.1, NM_001406759.1 and 4 more transcripts); c.1133A>C, p.Gln378Pro (NM_001406761.1, NM_001406762.1, NM_001406764.1 and 1 more transcripts); and 5 more; short protein forms Q167P, Q179P, Q275P, Q325P, Q378P, Q421P, Q91P.
Identifiers: ClinVar variation 3609675 (VCV003609675.2).

ClinVar aggregate classification (germline): Uncertain significance (1 of 4 stars; one submission).

Conditions:
Multiple endocrine neoplasia, type 2 (MEN2). Identifiers: Orphanet 653, MedGen C4048306, MONDO:0019003. Disease mechanism: gain of function.

Submission:

Labcorp Genetics (formerly Invitae), Labcorp
Classification: Uncertain significance for Multiple endocrine neoplasia, type 2. Last evaluated: 2024-12-04. Review status: criteria provided, single submitter. Criteria: Invitae Variant Classification Sherloc (09022015). Collection method: clinical testing. Allele origin: germline.
Comment: This sequence change replaces glutamine, which is neutral and polar, with proline, which is neutral and non-polar, at codon 421 of the RET protein (p.Gln421Pro). This variant is not present in population databases (gnomAD no frequency). This missense change has been observed in individual(s) with Hirschsprung disease type 1 (PMID: 31666091). In at least one individual the variant was observed to be de novo. An algorithm developed to predict the effect of missense changes on protein structure and function (PolyPhen-2) suggests that this variant is likely to be disruptive. In summary, the available evidence is currently insufficient to determine the role of this variant in disease. Therefore, it has been classified as a Variant of Uncertain Significance.

Literature cited by the submitters: PubMed 31666091.